The following is an entry in ClinVar:

NM_002114.4(HIVEP1):c.7323dup (p.Arg2442Ter)

Gene: HIVEP1 (HIVEP zinc finger 1; plus strand). Cytogenetic location: 6p24.1.
Variant type: Duplication.
Coding change: c.7323dup on transcript NM_002114.4 (MANE Select); coding-DNA position 7323, one base duplicated (T; older notation c.7323dupT).
Protein change: p.Arg2442Ter; replaces arginine 2442 with a stop codon.
Molecular consequence: nonsense.
Genome position (GRCh38, 1-based): chr6:12,163,627, T duplicated. VCF-style (leftmost placement, unchanged base first): chr6-12163626-A-AT. GRCh37 (hg19) VCF-style: chr6-12163859-A-AT.
Other names: short protein forms R2442*.
Identifiers: ClinVar variation 4984833 (VCV004984833.1).

ClinVar aggregate classification (germline): Uncertain significance (1 of 4 stars; one submission).

Conditions:
HIVEP1-related disorder. Also called: HIVEP1-related condition.

Submission:

PreventionGenetics, part of Exact Sciences
Classification: Uncertain significance for HIVEP1-related condition. Last evaluated: 2026-03-06. Review status: criteria provided, single submitter. Criteria: ACMG Guidelines, 2015. Collection method: clinical testing. Allele origin: germline.
Comment: The HIVEP1 c.7323dupT variant is predicted to result in premature protein termination (p.Arg2442*). To our knowledge, this variant has not been reported in the literature or in a large population database (gnomAD), indicating this variant is rare. Loss of function is not an established mechanism of HIVEP1-related disease. At this time, the clinical significance of this variant is uncertain due to the absence of conclusive functional and genetic evidence.